The following is an entry in ClinVar:

NM_001367624.2(ZNF469):c.6688C>A (p.Pro2230Thr)

Gene: ZNF469 (zinc finger protein 469; plus strand). Cytogenetic location: 16q24.2.
Variant type: single nucleotide variant.
Coding change: c.6688C>A on transcript NM_001367624.2 (MANE Select); coding-DNA position 6688, C replaced by A.
Protein change: p.Pro2230Thr; replaces proline 2230 with threonine.
Molecular consequence: missense variant.
Genome position (GRCh38, 1-based): chr16:88,434,158, C>A. VCF-style: chr16-88434158-C-A. GRCh37 (hg19) VCF-style: chr16-88500566-C-A.
Other names: NM_001127464.1:c.6604C>A; short protein forms P2230T.
Identifiers: ClinVar variation 1754428 (VCV001754428.2), dbSNP rs1420231228, ClinGen allele CA397106518.

ClinVar aggregate classification (germline): Uncertain significance (1 of 4 stars; one submission).

Conditions:
Cardiovascular phenotype. Identifiers: MedGen CN230736.

gnomAD v4.1: 1 of 1,550,340 alleles (0.000065%); highest among the groups gnomAD compares: Non-Finnish European, 0.000087%; no homozygotes.

Submission:

Ambry Genetics
Classification: Uncertain significance for Cardiovascular phenotype. Last evaluated: 2021-07-18. Review status: criteria provided, single submitter. Criteria: Ambry Variant Classification Scheme 2023. Collection method: clinical testing. Allele origin: germline.
Comment: The p.P2202T variant (also known as c.6604C>A), located in coding exon 2 of the ZNF469 gene, results from a C to A substitution at nucleotide position 6604. The proline at codon 2202 is replaced by threonine, an amino acid with highly similar properties. This amino acid position is conserved. In addition, this alteration is predicted to be tolerated by in silico analysis. Since supporting evidence is limited at this time, the clinical significance of this alteration remains unclear.